The following is an entry in ClinVar:

NM_024675.4(PALB2):c.3479C>G (p.Ser1160Cys)

Gene: PALB2 (partner and localizer of BRCA2; minus strand). Cytogenetic location: 16p12.2.
Variant type: single nucleotide variant.
Coding change: c.3479C>G on transcript NM_024675.4 (MANE Select); coding-DNA position 3479, C replaced by G.
Protein change: p.Ser1160Cys; replaces serine 1160 with cysteine.
Molecular consequence: missense variant. On other transcripts: 3 prime UTR variant (5).
Genome position (GRCh38, 1-based): chr16:23,603,541, G>C on the plus strand (C>G on the coding strand, the complement: PALB2 is on the minus strand). VCF-style: chr16-23603541-G-C. GRCh37 (hg19) VCF-style: chr16-23614862-G-C.
Other names: c.3419C>G, p.Ser1140Cys (NM_001407296.1); c.3407C>G, p.Ser1136Cys (NM_001407297.1); c.3317C>G, p.Ser1106Cys (NM_001407298.1); c.3242C>G, p.Ser1081Cys (NM_001407299.1); c.3200C>G, p.Ser1067Cys (NM_001407300.1); c.*114C>G (NM_001407301.1, NM_001407302.1, NM_001407310.1 and 2 more transcripts); c.2594C>G, p.Ser865Cys (NM_001407304.1, NM_001407305.1, NM_001407306.1); c.2432C>G, p.Ser811Cys (NM_001407307.1); and 3 more; short protein forms S1067C, S1081C, S1106C, S1136C, S1140C, S1160C, S338C, S564C.
Identifiers: ClinVar variation 3617772 (VCV003617772.2).

ClinVar aggregate classification (germline): Uncertain significance (1 of 4 stars; one submission).

Conditions:
Familial cancer of breast. Also called: BREAST CANCER, FAMILIAL; hereditary breast carcinoma; Hereditary breast cancer. Identifiers: Orphanet 227535, MedGen C0346153, MONDO:0016419, OMIM 114480. Disease mechanism: loss of function.

Submission:

Labcorp Genetics (formerly Invitae), Labcorp
Classification: Uncertain significance for Familial cancer of breast. Last evaluated: 2024-11-27. Review status: criteria provided, single submitter. Criteria: Invitae Variant Classification Sherloc (09022015). Collection method: clinical testing. Allele origin: germline.
Comment: This sequence change replaces serine, which is neutral and polar, with cysteine, which is neutral and slightly polar, at codon 1160 of the PALB2 protein (p.Ser1160Cys). This variant is not present in population databases (gnomAD no frequency). This variant has not been reported in the literature in individuals affected with PALB2-related conditions. An algorithm developed to predict the effect of missense changes on protein structure and function (PolyPhen-2) suggests that this variant is likely to be disruptive. In summary, the available evidence is currently insufficient to determine the role of this variant in disease. Therefore, it has been classified as a Variant of Uncertain Significance.